The following is an entry in ClinVar:

NM_012186.3(FOXE3):c.82C>T (p.Pro28Ser)

Genes: FOXE3 (forkhead box E3; plus strand), LINC01389 (long intergenic non-protein coding RNA 1389; minus strand). Cytogenetic location: 1p33.
Variant type: single nucleotide variant.
Coding change: c.82C>T on transcript NM_012186.3 (MANE Select); coding-DNA position 82, C replaced by T.
Protein change: p.Pro28Ser; replaces proline 28 with serine.
Molecular consequence: missense variant.
Genome position (GRCh38, 1-based): chr1:47,416,397, C>T. VCF-style: chr1-47416397-C-T. GRCh37 (hg19) VCF-style: chr1-47882069-C-T.
Other names: short protein forms P28S.
Identifiers: ClinVar variation 3279575 (VCV003279575.1).

ClinVar aggregate classification (germline): Uncertain significance (1 of 4 stars; one submission).

Conditions:
Cardiovascular phenotype. Identifiers: MedGen CN230736.

Submission:

Ambry Genetics
Classification: Uncertain significance for Cardiovascular phenotype. Last evaluated: 2024-06-23. Review status: criteria provided, single submitter. Criteria: Ambry Variant Classification Scheme 2023. Collection method: clinical testing. Allele origin: germline.
Comment: The p.P28S variant (also known as c.82C>T), located in coding exon 1 of the FOXE3 gene, results from a C to T substitution at nucleotide position 82. The proline at codon 28 is replaced by serine, an amino acid with similar properties. This amino acid position is conserved. In addition, this alteration is predicted to be tolerated by in silico analysis. Based on the available evidence, the clinical significance of this variant remains unclear.